The following is an entry in ClinVar:

ClinVar aggregate classification (germline): Uncertain significance (1 of 4 stars; one submission).

Allele frequency attached by ClinVar (database versions not stated): gnomAD exomes 0.00001.
gnomAD v4.1: 5 of 1,614,038 alleles (0.00031%); highest among the groups gnomAD compares: Non-Finnish European, 0.00042%; no homozygotes.

Submission:

Labcorp Genetics (formerly Invitae), Labcorp
Classification: Uncertain significance. Last evaluated: 2023-10-17. Review status: criteria provided, single submitter. Criteria: Invitae Variant Classification Sherloc (09022015). Collection method: clinical testing. Allele origin: germline.
Comment: This sequence change replaces isoleucine, which is neutral and non-polar, with asparagine, which is neutral and polar, at codon 781 of the ATRN protein (p.Ile781Asn). This variant is not present in population databases (gnomAD no frequency). This variant has not been reported in the literature in individuals affected with ATRN-related conditions. An algorithm developed to predict the effect of missense changes on protein structure and function (PolyPhen-2) suggests that this variant is likely to be tolerated. In summary, the available evidence is currently insufficient to determine the role of this variant in disease. Therefore, it has been classified as a Variant of Uncertain Significance.

NM_139321.3(ATRN):c.2342T>A (p.Ile781Asn)

Gene: ATRN (attractin; plus strand). Cytogenetic location: 20p13.
Variant type: single nucleotide variant.
Coding change: c.2342T>A on transcript NM_139321.3 (MANE Select); coding-DNA position 2342, T replaced by A.
Protein change: p.Ile781Asn; replaces isoleucine 781 with asparagine.
Molecular consequence: missense variant.
Genome position (GRCh38, 1-based): chr20:3,576,986, T>A. VCF-style: chr20-3576986-T-A. GRCh37 (hg19) VCF-style: chr20-3557633-T-A.
Other names: c.1994T>A, p.Ile665Asn (NM_001207047.3); c.2342T>A, p.Ile781Asn (NM_001323332.2, NM_139322.4); short protein forms I665N, I781N.
Identifiers: ClinVar variation 2862935 (VCV002862935.3), dbSNP rs2514561137, ClinGen allele CA408096231.